The following is an entry in ClinVar:

NM_014704.4(CEP104):c.2183A>G (p.Asn728Ser)

Gene: CEP104 (centrosomal protein 104; minus strand). Cytogenetic location: 1p36.32.
Variant type: single nucleotide variant.
Coding change: c.2183A>G on transcript NM_014704.4 (MANE Select); coding-DNA position 2183, A replaced by G.
Protein change: p.Asn728Ser; replaces asparagine 728 with serine.
Molecular consequence: missense variant.
Genome position (GRCh38, 1-based): chr1:3,826,713, T>C on the plus strand (A>G on the coding strand, the complement: CEP104 is on the minus strand). VCF-style: chr1-3826713-T-C. GRCh37 (hg19) VCF-style: chr1-3743277-T-C.
Other names: short protein forms N728S.
Identifiers: ClinVar variation 2003877 (VCV002003877.4), dbSNP rs773575374, ClinGen allele CA551384.

ClinVar aggregate classification (germline): Uncertain significance (1 of 4 stars; one submission).

Conditions:
Joubert syndrome 25 (JBTS25). Identifiers: Orphanet 475, MedGen C4084842, MONDO:0014770, OMIM 616781.

Allele frequency attached by ClinVar (database versions not stated): gnomAD exomes 0.00001; ExAC 0.00005.
gnomAD v4.1: 15 of 1,614,146 alleles (0.00093%); highest among the groups gnomAD compares: Non-Finnish European, 0.00051%; no homozygotes.

Submission:

Labcorp Genetics (formerly Invitae), Labcorp
Classification: Uncertain significance for Joubert syndrome 25. Last evaluated: 2022-06-09. Review status: criteria provided, single submitter. Criteria: Invitae Variant Classification Sherloc (09022015). Collection method: clinical testing. Allele origin: germline.
Comment: This variant has not been reported in the literature in individuals affected with CEP104-related conditions. In summary, the available evidence is currently insufficient to determine the role of this variant in disease. Therefore, it has been classified as a Variant of Uncertain Significance. Algorithms developed to predict the effect of sequence changes on RNA splicing suggest that this variant may disrupt the consensus splice site. Algorithms developed to predict the effect of missense changes on protein structure and function output the following: SIFT: "Tolerated"; PolyPhen-2: "Benign"; Align-GVGD: "Class C0". The serine amino acid residue is found in multiple mammalian species, which suggests that this missense change does not adversely affect protein function. This variant is present in population databases (rs773575374, gnomAD 0.005%). This sequence change replaces asparagine, which is neutral and polar, with serine, which is neutral and polar, at codon 728 of the CEP104 protein (p.Asn728Ser).